The following is an entry in ClinVar:

ClinVar aggregate classification (germline): Pathogenic (1 of 4 stars; one submission).

Conditions:
Jeune thoracic dystrophy. Also called: Jeune syndrome; Infantile thoracic dystrophy; Thoracic pelvic phalangeal dystrophy; Jeune's syndrome; Chondroectodermal dysplasia-like syndrome; Short-rib thoracic dysplasia. Identifiers: Orphanet 474, MedGen C0265275, MONDO:0018770.
Nephronophthisis. Also called: Juvenile Nephronophthisis. Identifiers: Orphanet 655, MedGen C0687120, MONDO:0019005, HP:0000090.

Submission:

Labcorp Genetics (formerly Invitae), Labcorp
Classification: Pathogenic for Jeune thoracic dystrophy; Nephronophthisis. Last evaluated: 2024-01-04. Review status: criteria provided, single submitter. Criteria: Invitae Variant Classification Sherloc (09022015). Collection method: clinical testing. Allele origin: germline.
Comment: This sequence change creates a premature translational stop signal (p.Tyr841Ilefs*25) in the TTC21B gene. It is expected to result in an absent or disrupted protein product. Loss-of-function variants in TTC21B are known to be pathogenic (PMID: 18327258, 21068128, 21258341, 23559409, 24876116, 25492405, 27491411, 29068549). This variant is not present in population databases (gnomAD no frequency). This variant has not been reported in the literature in individuals affected with TTC21B-related conditions. For these reasons, this variant has been classified as Pathogenic.

Literature cited by the submitters: PubMed 18327258; PubMed 21068128; PubMed 21258341; PubMed 23559409; PubMed 24876116; PubMed 25492405; PubMed 27491411; PubMed 29068549.

NM_024753.5(TTC21B):c.2521del (p.Tyr841fs)

Gene: TTC21B (tetratricopeptide repeat domain 21B; minus strand). Cytogenetic location: 2q24.3.
Variant type: Deletion.
Coding change: c.2521del on transcript NM_024753.5 (MANE Select); coding-DNA position 2521, one base deleted (T; older notation c.2521delT).
Protein change: p.Tyr841fs; shifts the reading frame from tyrosine 841.
Molecular consequence: frameshift variant.
Genome position (GRCh38, 1-based): chr2:165,907,725, A deleted on the plus strand (T on the coding strand, the reverse complement: TTC21B is on the minus strand); the first of 3 consecutive A bases (chr2:165,907,725-165,907,727); deleting any one gives the same sequence. VCF-style (leftmost placement, unchanged base first): chr2-165907724-TA-T. GRCh37 (hg19) VCF-style: chr2-166764234-TA-T.
Other names: short protein forms Y841fs.
Identifiers: ClinVar variation 2922514 (VCV002922514.3), dbSNP rs1241301882, ClinGen allele CA537133520.